The following is an entry in ClinVar:

NM_000361.3(THBD):c.116A>T (p.Tyr39Phe)

Gene: THBD (thrombomodulin; minus strand). Cytogenetic location: 20p11.21.
Variant type: single nucleotide variant.
Coding change: c.116A>T on transcript NM_000361.3 (MANE Select); coding-DNA position 116, A replaced by T.
Protein change: p.Tyr39Phe; replaces tyrosine 39 with phenylalanine.
Molecular consequence: missense variant.
Genome position (GRCh38, 1-based): chr20:23,049,389, T>A on the plus strand (A>T on the coding strand, the complement: THBD is on the minus strand). VCF-style: chr20-23049389-T-A. GRCh37 (hg19) VCF-style: chr20-23030026-T-A.
Other names: p.Tyr39Phe; short protein forms Y39F.
Identifiers: ClinVar variation 1374247 (VCV001374247.13), dbSNP rs776866172, ClinGen allele CA9787794.
Genomic context (GRCh38, chr20:23,049,389, plus strand): 5'-AGGTGGCCCCGCAGTCCGTCGCAGATCTGACTGGCATTGAGGAAGGTCGCGGGGCCCGGG[T>A]AGAGCGCGAAGCAGTCGTGCTCGACGCACTGGCTGCCACCCGGCTGCGGCTCTGCGGGTG-3'
Protein context (NP_000352.1, residues 29-49): QCVEHDCFAL[Tyr39Phe]PGPATFLNAS

ClinVar aggregate classification (germline): Conflicting classifications of pathogenicity. Review status: criteria provided, conflicting classifications (1 of 4 stars). 5 submissions from 5 submitters: Uncertain significance (4); Likely benign (1). Last evaluated 2026-02-01.

Conditions:
Thrombomodulin-related bleeding disorder (THPH12). Also called: Thrombophilia due to thrombomodulin defect. Identifiers: Orphanet 436169, MedGen C3280976, MONDO:0013775, OMIM 614486.
Atypical hemolytic-uremic syndrome with thrombomodulin anomaly. Also called: HEMOLYTIC UREMIC SYNDROME, ATYPICAL, SUSCEPTIBILITY TO, 6; AHUS, SUSCEPTIBILITY TO, 6. Identifiers: MedGen C2752036, MONDO:0013044, OMIM 612926. Disease mechanism: gain of function.

Allele frequency attached by ClinVar (database versions not stated): gnomAD exomes 0.00002 and 0.00007; gnomAD 0.00003; TOPMed 0.00010; ExAC 0.00017.

Submissions (5):

Labcorp Genetics (formerly Invitae), Labcorp
Classification: Uncertain significance. Last evaluated: 2026-02-01. Review status: criteria provided, single submitter. Criteria: Invitae Variant Classification Sherloc (09022015). Collection method: clinical testing. Allele origin: germline.
Comment: This sequence change replaces tyrosine, which is neutral and polar, with phenylalanine, which is neutral and non-polar, at codon 39 of the THBD protein (p.Tyr39Phe). This variant is present in population databases (rs776866172, gnomAD 0.03%). This missense change has been observed in individual(s) with clinical features of THBD-related conditions (PMID: 37567446). ClinVar contains an entry for this variant (Variation ID: 1374247). Invitae Evidence Modeling of protein sequence and biophysical properties (such as structural, functional, and spatial information, amino acid conservation, physicochemical variation, residue mobility, and thermodynamic stability) indicates that this missense variant is not expected to disrupt THBD protein function with a negative predictive value of 80%. In summary, the available evidence is currently insufficient to determine the role of this variant in disease. Therefore, it has been classified as a Variant of Uncertain Significance.

Genomenon, Inc
Classification: Uncertain significance for Thrombomodulin-related bleeding disorder. Last evaluated: 2025-09-22. Review status: criteria provided, single submitter. Criteria: Genomenon Sequence Variant Interpretation Standards - Updated. Collection method: curation. Allele origin: germline. Affected: no.
Comment: THBD p.Tyr39Phe (c.116A>T) is a missense variant that changes the amino acid at residue 39 from Tyrosine to Phenylalanine. This variant has been reported in the published literature (PMID:37567446;24799305). In silico models agree that this variant is not damaging. In conclusion, we classify THBD p.Tyr39Phe (c.116A>T) as a variant of unknown significance.

Fulgent Genetics
Classification: Uncertain significance for Atypical hemolytic-uremic syndrome with thrombomodulin anomaly; Thrombomodulin-related bleeding disorder. Last evaluated: 2024-04-11. Review status: criteria provided, single submitter. Criteria: ACMG Guidelines, 2015. Collection method: clinical testing. Allele origin: germline.

Mayo Clinic Laboratories, Mayo Clinic
Classification: Uncertain significance. Last evaluated: 2023-03-22. Review status: criteria provided, single submitter. Criteria: ACMG Guidelines, 2015. Collection method: clinical testing. Allele origin: germline. Observed: 1 variant allele.
Comment: BP4_strong

Blueprint Genetics
Classification: Likely benign. Last evaluated: 2021-07-19. Review status: criteria provided, single submitter. Criteria: ACMG Guidelines, 2015. Collection method: clinical testing. Allele origin: germline.

Literature cited by the submitters: PubMed 37567446 (cited by Labcorp Genetics (formerly Invitae), Labcorp and Genomenon, Inc); PubMed 24799305 (cited by Genomenon, Inc and Mayo Clinic Laboratories, Mayo Clinic).